The following is an entry in ClinVar:

NM_139242.4(MTFMT):c.898A>G (p.Lys300Glu)

Gene: MTFMT (mitochondrial methionyl-tRNA formyltransferase; minus strand). Cytogenetic location: 15q22.31.
Variant type: single nucleotide variant.
Coding change: c.898A>G on transcript NM_139242.4 (MANE Select); coding-DNA position 898, A replaced by G.
Protein change: p.Lys300Glu; replaces lysine 300 with glutamic acid.
Molecular consequence: missense variant.
Genome position (GRCh38, 1-based): chr15:65,004,931, T>C on the plus strand (A>G on the coding strand, the complement: MTFMT is on the minus strand). VCF-style: chr15-65004931-T-C. GRCh37 (hg19) VCF-style: chr15-65297269-T-C.
Other names: p.Lys300Glu; short protein forms K300E.
Identifiers: ClinVar variation 1405719 (VCV001405719.4), dbSNP rs186670294, ClinGen allele CA7613195.

ClinVar aggregate classification (germline): Uncertain significance. Review status: criteria provided, multiple submitters, no conflicts (2 of 4 stars). 2 submissions from 2 submitters: Uncertain significance (2). Last evaluated 2025-06-12.

Allele frequency attached by ClinVar (database versions not stated): gnomAD 0.00007; TOPMed 0.00007; 1000 Genomes Project 30x 0.00016; ESP Exome Variant Server 0.00017; 1000 Genomes Project 0.00020.
gnomAD v4.1: 254 of 1,609,616 alleles (0.016%); highest among the groups gnomAD compares: Non-Finnish European, 0.021%; no homozygotes.

Submissions (2):

Mayo Clinic Laboratories, Mayo Clinic
Classification: Uncertain significance. Last evaluated: 2025-06-12. Review status: criteria provided, single submitter. Criteria: ACMG Guidelines, 2015. Collection method: clinical testing. Allele origin: germline. Observed: 2 variant alleles.
Comment: BP4_moderate

Labcorp Genetics (formerly Invitae), Labcorp
Classification: Uncertain significance. Last evaluated: 2022-07-26. Review status: criteria provided, single submitter. Criteria: Invitae Variant Classification Sherloc (09022015). Collection method: clinical testing. Allele origin: germline.
Comment: This sequence change replaces lysine, which is basic and polar, with glutamic acid, which is acidic and polar, at codon 300 of the MTFMT protein (p.Lys300Glu). This variant is present in population databases (rs186670294, gnomAD 0.01%). This variant has not been reported in the literature in individuals affected with MTFMT-related conditions. ClinVar contains an entry for this variant (Variation ID: 1405719). Algorithms developed to predict the effect of missense changes on protein structure and function output the following: SIFT: "Tolerated"; PolyPhen-2: "Benign"; Align-GVGD: "Class C0". The glutamic acid amino acid residue is found in multiple mammalian species, which suggests that this missense change does not adversely affect protein function. Algorithms developed to predict the effect of sequence changes on RNA splicing suggest that this variant may create or strengthen a splice site. In summary, the available evidence is currently insufficient to determine the role of this variant in disease. Therefore, it has been classified as a Variant of Uncertain Significance.